The following is an entry in ClinVar:

NM_139076.3(ABRAXAS1):c.833T>G (p.Ile278Ser)

Gene: ABRAXAS1 (abraxas 1, BRCA1 A complex subunit; minus strand). Cytogenetic location: 4q21.23.
Variant type: single nucleotide variant.
Coding change: c.833T>G on transcript NM_139076.3 (MANE Select); coding-DNA position 833, T replaced by G.
Protein change: p.Ile278Ser; replaces isoleucine 278 with serine.
Molecular consequence: missense variant.
Genome position (GRCh38, 1-based): chr4:83,462,866, A>C on the plus strand (T>G on the coding strand, the complement: ABRAXAS1 is on the minus strand). VCF-style: chr4-83462866-A-C. GRCh37 (hg19) VCF-style: chr4-84384019-A-C.
Other names: c.506T>G, p.Ile169Ser (NM_001345962.2); short protein forms I169S, I278S.
Identifiers: ClinVar variation 1001595 (VCV001001595.11), dbSNP rs587780267, ClinGen allele CA357256652.

ClinVar aggregate classification (germline): Uncertain significance. Review status: criteria provided, multiple submitters, no conflicts (2 of 4 stars). 2 submissions from 2 submitters: Uncertain significance (2). Last evaluated 2022-09-13.

Submissions (2):

Ambry Genetics
Classification: Uncertain significance. Last evaluated: 2022-09-13. Review status: criteria provided, single submitter. Criteria: Ambry Variant Classification Scheme 2023. Collection method: clinical testing. Allele origin: germline.
Comment: The p.I278S variant (also known as c.833T>G), located in coding exon 9 of the FAM175A gene, results from a T to G substitution at nucleotide position 833. The isoleucine at codon 278 is replaced by serine, an amino acid with dissimilar properties. This amino acid position is conserved. In addition, this alteration is predicted to be tolerated by in silico analysis. Since supporting evidence is limited at this time, the clinical significance of this alteration remains unclear.

Labcorp Genetics (formerly Invitae), Labcorp
Classification: Uncertain significance. Last evaluated: 2022-03-29. Review status: criteria provided, single submitter. Criteria: Invitae Variant Classification Sherloc (09022015). Collection method: clinical testing. Allele origin: germline.
Comment: Algorithms developed to predict the effect of missense changes on protein structure and function output the following: SIFT: "Deleterious"; PolyPhen-2: "Benign"; Align-GVGD: "Class C0". The serine amino acid residue is found in multiple mammalian species, which suggests that this missense change does not adversely affect protein function. In summary, the available evidence is currently insufficient to determine the role of this variant in disease. Therefore, it has been classified as a Variant of Uncertain Significance. ClinVar contains an entry for this variant (Variation ID: 1001595). This variant has not been reported in the literature in individuals affected with ABRAXAS1-related conditions. This variant is not present in population databases (gnomAD no frequency). This sequence change replaces isoleucine, which is neutral and non-polar, with serine, which is neutral and polar, at codon 278 of the ABRAXAS1 protein (p.Ile278Ser).